The following is an entry in ClinVar:

NM_145207.3(AFG2A):c.1870G>A (p.Val624Ile)

Gene: AFG2A (AFG2 AAA ATPase homolog A; plus strand). Cytogenetic location: 4q28.1.
Variant type: single nucleotide variant.
Coding change: c.1870G>A on transcript NM_145207.3 (MANE Select); coding-DNA position 1870, G replaced by A.
Protein change: p.Val624Ile; replaces valine 624 with isoleucine.
Molecular consequence: missense variant.
Genome position (GRCh38, 1-based): chr4:123,028,186, G>A. VCF-style: chr4-123028186-G-A. GRCh37 (hg19) VCF-style: chr4-123949341-G-A.
Other names: c.1867G>A, p.Val623Ile (NM_001317799.2, NM_001345856.2); short protein forms V624I, V623I.
Identifiers: ClinVar variation 2161433 (VCV002161433.2), dbSNP rs1331390431, ClinGen allele CA358102158.

ClinVar aggregate classification (germline): Uncertain significance (1 of 4 stars; one submission).

Conditions:
Microcephaly-intellectual disability-sensorineural hearing loss-epilepsy-abnormal muscle tone syndrome (NEDHSB). Also called: NEURODEVELOPMENTAL DISORDER WITH HEARING LOSS, SEIZURES, AND BRAIN ABNORMALITIES. Identifiers: Orphanet 457351, MedGen C4225276, MONDO:0014698, OMIM 616577.

Allele frequency attached by ClinVar (database versions not stated): gnomAD exomes below 0.00001; TOPMed 0.00002; gnomAD 0.00003.
gnomAD v4.1: 9 of 1,608,696 alleles (0.00056%); highest among the groups gnomAD compares: South Asian, 0.0011%; no homozygotes.

Submission:

Labcorp Genetics (formerly Invitae), Labcorp
Classification: Uncertain significance for Microcephaly-intellectual disability-sensorineural hearing loss-epilepsy-abnormal muscle tone syndrome. Last evaluated: 2024-06-03. Review status: criteria provided, single submitter. Criteria: Invitae Variant Classification Sherloc (09022015). Collection method: clinical testing. Allele origin: germline.
Comment: This sequence change replaces valine, which is neutral and non-polar, with isoleucine, which is neutral and non-polar, at codon 624 of the SPATA5 protein (p.Val624Ile). This variant is present in population databases (no rsID available, gnomAD 0.007%). This variant has not been reported in the literature in individuals affected with SPATA5-related conditions. ClinVar contains an entry for this variant (Variation ID: 2161433). An algorithm developed to predict the effect of missense changes on protein structure and function (PolyPhen-2) suggests that this variant¬¨‚Ä†is likely to be tolerated. In summary, the available evidence is currently insufficient to determine the role of this variant in disease. Therefore, it has been classified as a Variant of Uncertain Significance.